The following is an entry in ClinVar:

ClinVar aggregate classification (germline): Pathogenic. Review status: criteria provided, multiple submitters, no conflicts (2 of 4 stars). 5 submissions from 5 submitters: Pathogenic (5). Last evaluated 2023-11-30.

Conditions:
Developmental and epileptic encephalopathy, 11 (DEE11). Also called: Early infantile epileptic encephalopathy 11. Identifiers: Orphanet 1934, MedGen C3150987, MONDO:0013388, OMIM 613721.
Episodic ataxia, type 9. Identifiers: MedGen C5394520, MONDO:0030064, OMIM 618924.
Seizures, benign familial infantile, 3 (BFIS3). Also called: CONVULSIONS, BENIGN FAMILIAL INFANTILE, 3; Familial neonatal seizures. Identifiers: Orphanet 140927, Orphanet 306, MedGen C1843140, MONDO:0011904, OMIM 607745.
Inborn genetic diseases. Identifiers: MedGen C0950123, MeSH D030342.
Complex neurodevelopmental disorder. Identifiers: Orphanet 528084, MedGen C5568766, MONDO:0100038.

Allele frequency attached by ClinVar (database versions not stated): ExAC 0.00001.

Submissions (5):

GeneDx
Classification: Pathogenic. Last evaluated: 2023-11-30. Review status: criteria provided, single submitter. Criteria: GeneDx Variant Classification Process June 2021. Collection method: clinical testing. Allele origin: germline. Affected: yes.
Comment: Not observed at significant frequency in large population cohorts (gnomAD); Nonsense variant predicted to result in protein truncation or nonsense mediated decay in a gene for which loss of function is a known mechanism of disease; This variant is associated with the following publications: (PMID: 28191889, 33004838, 28263302, 32005694, 27824329)

Labcorp Genetics (formerly Invitae), Labcorp
Classification: Pathogenic for Seizures, benign familial infantile, 3; Developmental and epileptic encephalopathy, 11. Last evaluated: 2022-08-22. Review status: criteria provided, single submitter. Criteria: Invitae Variant Classification Sherloc (09022015). Collection method: clinical testing. Allele origin: germline.
Comment: For these reasons, this variant has been classified as Pathogenic. ClinVar contains an entry for this variant (Variation ID: 984895). This premature translational stop signal has been observed in individual(s) with autism spectrum disorder (PMID: 27824329, 28263302). This variant is not present in population databases (gnomAD no frequency). This sequence change creates a premature translational stop signal (p.Arg607*) in the SCN2A gene. It is expected to result in an absent or disrupted protein product. Loss-of-function variants in SCN2A are known to be pathogenic (PMID: 28379373).

Fulgent Genetics
Classification: Pathogenic for Seizures, benign familial infantile, 3; Developmental and epileptic encephalopathy, 11; Episodic ataxia, type 9. Last evaluated: 2022-01-24. Review status: criteria provided, single submitter. Criteria: ACMG Guidelines, 2015. Collection method: clinical testing. Allele origin: unknown.

Revvity Omics, Revvity
Classification: Pathogenic. Last evaluated: 2021-08-23. Review status: criteria provided, single submitter. Criteria: ACMG Guidelines, 2015. Collection method: clinical testing. Allele origin: germline.

Ambry Genetics
Classification: Pathogenic for Inborn genetic diseases. Last evaluated: 2019-10-28. Review status: criteria provided, single submitter. Criteria: Ambry exome assertion method (8-5-2015). Collection method: clinical testing. Allele origin: germline. Affected: yes. Observed: 1 variant allele.

Literature cited by the submitters: PubMed 27824329 (cited by Labcorp Genetics (formerly Invitae), Labcorp); PubMed 28263302 (cited by Labcorp Genetics (formerly Invitae), Labcorp); PubMed 28379373 (cited by Labcorp Genetics (formerly Invitae), Labcorp).

NM_001040142.2(SCN2A):c.1819C>T (p.Arg607Ter)

Gene: SCN2A (sodium voltage-gated channel alpha subunit 2; plus strand). Cytogenetic location: 2q24.3.
Variant type: single nucleotide variant.
Coding change: c.1819C>T on transcript NM_001040142.2 (MANE Select); coding-DNA position 1819, C replaced by T.
Protein change: p.Arg607Ter; replaces arginine 607 with a stop codon.
Molecular consequence: nonsense.
Genome position (GRCh38, 1-based): chr2:165,323,303, C>T. VCF-style: chr2-165323303-C-T. GRCh37 (hg19) VCF-style: chr2-166179813-C-T.
Other names: c.1819C>T, p.Arg607Ter (NM_001040143.2, NM_001371246.1, NM_001371247.1 and 1 more transcripts); short protein forms R607*.
Identifiers: ClinVar variation 984895 (VCV000984895.17), dbSNP rs746060762, ClinGen allele CA1939874.